The following is an entry in ClinVar:

ClinVar aggregate classification (germline): Uncertain significance. Review status: criteria provided, multiple submitters, no conflicts (2 of 4 stars). 3 submissions from 3 submitters: Uncertain significance (3). Last evaluated 2025-03-26.

Conditions:
Developmental and epileptic encephalopathy 94 (DEE94). Also called: Epileptic encephalopathy, childhood-onset; CHD2-Related Neurodevelopmental Disorders. Identifiers: Orphanet 1942, Orphanet 2382, MedGen C3809278, MONDO:0014150, OMIM 615369.

gnomAD v4.1: 1 of 1,612,452 alleles (0.000062%); highest among the groups gnomAD compares: Non-Finnish European, 0.000085%; no homozygotes.

Submissions (3):

GeneDx
Classification: Uncertain significance. Last evaluated: 2025-03-26. Review status: criteria provided, single submitter. Criteria: GeneDx Variant Classification Process June 2021. Collection method: clinical testing. Allele origin: germline. Affected: yes.
Comment: Not observed at significant frequency in large population cohorts (gnomAD); In silico analysis supports that this missense variant has a deleterious effect on protein structure/function; Has not been previously published as pathogenic or benign to our knowledge

CeGaT Center for Human Genetics Tuebingen
Classification: Uncertain significance. Last evaluated: 2019-07-01. Review status: criteria provided, single submitter. Criteria: CeGaT Center For Human Genetics Tuebingen Variant Classification Criteria Version 2. Collection method: clinical testing. Allele origin: germline. Affected: yes. Observed: 3 variant alleles.

Labcorp Genetics (formerly Invitae), Labcorp
Classification: Uncertain significance for Developmental and epileptic encephalopathy 94. Last evaluated: 2019-06-10. Review status: criteria provided, single submitter. Criteria: Invitae Variant Classification Sherloc (09022015). Collection method: clinical testing. Allele origin: germline.
Comment: This variant is not present in population databases (ExAC no frequency). This sequence change replaces tyrosine with cysteine at codon 1278 of the CHD2 protein (p.Tyr1278Cys). The tyrosine residue is highly conserved and there is a large physicochemical difference between tyrosine and cysteine. This variant has not been reported in the literature in individuals with CHD2-related conditions. In summary, the available evidence is currently insufficient to determine the role of this variant in disease. Therefore, it has been classified as a Variant of Uncertain Significance. Algorithms developed to predict the effect of missense changes on protein structure and function (SIFT, PolyPhen-2, Align-GVGD) all suggest that this variant is likely to be disruptive, but these predictions have not been confirmed by published functional studies and their clinical significance is uncertain.

NM_001271.4(CHD2):c.3833A>G (p.Tyr1278Cys)

Gene: CHD2 (chromodomain helicase DNA binding protein 2; plus strand). Cytogenetic location: 15q26.1.
Variant type: single nucleotide variant.
Coding change: c.3833A>G on transcript NM_001271.4 (MANE Select); coding-DNA position 3833, A replaced by G.
Protein change: p.Tyr1278Cys; replaces tyrosine 1278 with cysteine.
Molecular consequence: missense variant.
Genome position (GRCh38, 1-based): chr15:92,997,351, A>G. VCF-style: chr15-92997351-A-G. GRCh37 (hg19) VCF-style: chr15-93540581-A-G.
Other names: short protein forms Y1278C.
Identifiers: ClinVar variation 807318 (VCV000807318.51), dbSNP rs1596447179, ClinGen allele CA393898621.